The following is an entry in ClinVar:

ClinVar aggregate classification (germline): Uncertain significance. Review status: criteria provided, multiple submitters, no conflicts (2 of 4 stars). 2 submissions from 2 submitters: Uncertain significance (2). Last evaluated 2025-02-01.

Conditions:
Inborn genetic diseases. Identifiers: MedGen C0950123, MeSH D030342.

gnomAD v4.1: 3 of 1,606,664 alleles (0.00019%); highest among the groups gnomAD compares: Non-Finnish European, 0.00017%; no homozygotes.

Submissions (2):

Ambry Genetics
Classification: Uncertain significance for Inborn genetic diseases. Last evaluated: 2025-02-01. Review status: criteria provided, single submitter. Criteria: Ambry Variant Classification Scheme 2023. Collection method: clinical testing. Allele origin: germline.
Comment: The p.S722F variant (also known as c.2165C>T), located in coding exon 21 of the ANKRD26 gene, results from a C to T substitution at nucleotide position 2165. The serine at codon 722 is replaced by phenylalanine, an amino acid with highly dissimilar properties. This amino acid position is conserved. In addition, this alteration is predicted to be tolerated by in silico analysis. Based on the available evidence, the clinical significance of this variant remains unclear.

GeneDx
Classification: Uncertain significance. Last evaluated: 2025-01-12. Review status: criteria provided, single submitter. Criteria: GeneDx Variant Classification Process June 2021. Collection method: clinical testing. Allele origin: germline.
Comment: Not observed at significant frequency in large population cohorts (gnomAD); In silico analysis supports that this missense variant has a deleterious effect on protein structure/function; Has not been previously published as pathogenic or benign to our knowledge

NM_014915.3(ANKRD26):c.2165C>T (p.Ser722Phe)

Gene: ANKRD26 (ankyrin repeat domain 26; minus strand). Cytogenetic location: 10p12.1.
Variant type: single nucleotide variant.
Coding change: c.2165C>T on transcript NM_014915.3 (MANE Select); coding-DNA position 2165, C replaced by T.
Protein change: p.Ser722Phe; replaces serine 722 with phenylalanine.
Molecular consequence: missense variant.
Genome position (GRCh38, 1-based): chr10:27,040,175, G>A on the plus strand (C>T on the coding strand, the complement: ANKRD26 is on the minus strand). VCF-style: chr10-27040175-G-A. GRCh37 (hg19) VCF-style: chr10-27329104-G-A.
Other names: c.2162C>T, p.Ser721Phe (NM_001256053.2); short protein forms S721F, S722F.
Identifiers: ClinVar variation 3369404 (VCV003369404.3).